The following is an entry in ClinVar:

ClinVar aggregate classification (germline): Likely benign. Review status: criteria provided, multiple submitters, no conflicts (2 of 4 stars). 6 submissions from 6 submitters: Likely benign (6). Last evaluated 2026-01-28.

Conditions:
PLEKHG5-related disorder. Also called: PLEKHG5-related condition.
Inborn genetic diseases. Identifiers: MedGen C0950123, MeSH D030342.
Charcot-Marie-Tooth disease recessive intermediate C. Also called: CHARCOT-MARIE-TOOTH NEUROPATHY, RECESSIVE INTERMEDIATE C. Identifiers: Orphanet 369867, MedGen C3809309, MONDO:0014154, OMIM 615376.
Neuronopathy, distal hereditary motor, autosomal recessive 4. Also called: Autosomal recessive lower motor neuron disease with childhood onset; NEUROPATHY, DISTAL HEREDITARY MOTOR, AUTOSOMAL RECESSIVE 4. Identifiers: Orphanet 206580, MedGen C1970211, MONDO:0012608, OMIM 611067.

Allele frequency attached by ClinVar (database versions not stated): gnomAD 0.00024 and 0.00025; TOPMed 0.00025; gnomAD exomes 0.00028 and 0.00030; 1000 Genomes Project 30x 0.00031; ExAC 0.00034; ESP Exome Variant Server 0.00038; 1000 Genomes Project 0.00040.
gnomAD v4.1: 477 of 1,613,294 alleles (0.03%); highest among the groups gnomAD compares: Non-Finnish European, 0.036%; no homozygotes.

Submissions (6):

Labcorp Genetics (formerly Invitae), Labcorp
Classification: Likely benign for Neuronopathy, distal hereditary motor, autosomal recessive 4; Charcot-Marie-Tooth disease recessive intermediate C. Last evaluated: 2026-01-28. Review status: criteria provided, single submitter. Criteria: Invitae Variant Classification Sherloc (09022015). Collection method: clinical testing. Allele origin: germline.

PreventionGenetics, part of Exact Sciences
Classification: Likely benign for PLEKHG5-related condition. Last evaluated: 2025-10-09. Review status: criteria provided, single submitter. Criteria: ACMG Guidelines, 2015. Collection method: clinical testing. Allele origin: germline.
Comment: This variant is classified as likely benign based on ACMG/AMP sequence variant interpretation guidelines (Richards et al. 2015 PMID: 25741868, with internal and published modifications).

Blueprint Genetics
Classification: Likely benign. Last evaluated: 2024-11-11. Review status: criteria provided, single submitter. Criteria: ACMG Guidelines, 2015. Collection method: clinical testing. Allele origin: germline.

GeneDx
Classification: Likely benign. Last evaluated: 2019-08-15. Review status: criteria provided, single submitter. Criteria: GeneDx Variant Classification Process June 2021. Collection method: clinical testing. Allele origin: germline. Affected: yes.

Ambry Genetics
Classification: Likely benign for Inborn genetic diseases. Last evaluated: 2019-07-11. Review status: criteria provided, single submitter. Criteria: Ambry Variant Classification Scheme 2023. Collection method: clinical testing. Allele origin: germline.

Breakthrough Genomics
Classification: Likely benign. Review status: criteria provided, single submitter. Criteria: ACMG Guidelines, 2015. Collection method: not provided. Allele origin: germline. Inheritance: Autosomal recessive inheritance. Affected: yes.

NM_020631.6(PLEKHG5):c.2070T>C (p.Arg690=)

Gene: PLEKHG5 (pleckstrin homology and RhoGEF domain containing G5; minus strand). Cytogenetic location: 1p36.31.
Variant type: single nucleotide variant.
Coding change: c.2070T>C on transcript NM_020631.6 (MANE Select); coding-DNA position 2070, T replaced by C.
Protein change: p.Arg690=; no amino-acid change (arginine 690 retained).
Molecular consequence: synonymous variant.
Genome position (GRCh38, 1-based): chr1:6,469,221, A>G on the plus strand (T>C on the coding strand, the complement: PLEKHG5 is on the minus strand). VCF-style: chr1-6469221-A-G. GRCh37 (hg19) VCF-style: chr1-6529281-A-G.
Other names: c.2181T>C, p.Arg727= (NM_001042663.3, NM_001265592.2); c.2070T>C, p.Arg690= (NM_001042664.2, NM_001042665.2, NM_001265594.3 and 1 more transcripts); c.2277T>C, p.Arg759= (NM_001265593.2).
Identifiers: ClinVar variation 468900 (VCV000468900.19), dbSNP rs141100808, ClinGen allele CA561259.